The following is an entry in ClinVar:

ClinVar aggregate classification (germline): Benign (1 of 4 stars; one submission).

Allele frequency attached by ClinVar (database versions not stated): gnomAD exomes 0.45988; gnomAD 0.51893 and 0.52114; TOPMed 0.53125; 1000 Genomes Project 0.60244; 1000 Genomes Project 30x 0.60290.
gnomAD v4.1: 316,635 of 667,964 alleles (47%); highest among the groups gnomAD compares: East Asian, 78%; 80,152 homozygotes.

Submission:

GeneDx
Classification: Benign. Last evaluated: 2018-06-14. Review status: criteria provided, single submitter. Criteria: GeneDx Variant Classification (06012015). Collection method: clinical testing. Allele origin: germline. Affected: yes.
Comment: This variant is considered likely benign or benign based on one or more of the following criteria: it is a conservative change, it occurs at a poorly conserved position in the protein, it is predicted to be benign by multiple in silico algorithms, and/or has population frequency not consistent with disease.

NM_182961.4(SYNE1):c.2250+178A>T

Gene: SYNE1 (spectrin repeat containing nuclear envelope protein 1; minus strand). Cytogenetic location: 6q25.2.
Variant type: single nucleotide variant.
Coding change: c.2250+178A>T on transcript NM_182961.4 (MANE Select); 178 bases into the intron after coding-DNA position 2250, A replaced by T.
Molecular consequence: intron variant.
Genome position (GRCh38, 1-based): chr6:152,462,560, T>A on the plus strand (A>T on the coding strand, the complement: SYNE1 is on the minus strand). VCF-style: chr6-152462560-T-A. GRCh37 (hg19) VCF-style: chr6-152783695-T-A.
Other names: c.2271+178A>T (NM_033071.5).
Identifiers: ClinVar variation 670605 (VCV000670605.1), dbSNP rs6925067, ClinGen allele CA15450418.
Genomic context (GRCh38, chr6:152,462,560, plus strand): 5'-TTGTAGAAAAAAAAAATCTCCAAACTGAGAAACAATTTGAAGTTACTTTATATGATCAAG[T>A]CATGTCTTTTTTATGTTCAATACATTTTTTTCTGACAGGTGCAAATTGGGACATACAGAC-3'